The following is an entry in ClinVar:

NC_000017.10:g.(?_58641119)_(58740913_?)dup

Gene: PPM1D (protein phosphatase, Mg2+/Mn2+ dependent 1D; plus strand). Cytogenetic location: 17q23.2.
Variant type: Duplication.
Identifiers: ClinVar variation 3243155 (VCV003243155.1).

ClinVar aggregate classification (germline): Uncertain significance (1 of 4 stars; one submission).

Submission:

Labcorp Genetics (formerly Invitae), Labcorp
Classification: Uncertain significance. Last evaluated: 2024-01-15. Review status: criteria provided, single submitter. Criteria: Invitae Variant Classification Sherloc (09022015). Collection method: clinical testing. Allele origin: unknown.
Comment: A copy number gain of the genomic region encompassing the full coding sequence of the PPM1D gene has been identified. The boundaries of this event are unknown as they extend beyond the assayed region for this gene and therefore may encompass additional genes. As the precise location of this event is unknown, it may be in tandem or it may be located elsewhere in the genome. This variant has not been reported in the literature in individuals affected with PPM1D-related conditions. In summary, the available evidence is currently insufficient to determine the role of this variant in disease. Therefore, it has been classified as a Variant of Uncertain Significance.